The following is an entry in ClinVar:

ClinVar aggregate classification (germline): Uncertain significance. Review status: criteria provided, multiple submitters, no conflicts (2 of 4 stars). 2 submissions from 2 submitters: Uncertain significance (2). Last evaluated 2025-09-26.

Conditions:
Inborn genetic diseases. Identifiers: MedGen C0950123, MeSH D030342.
Maple syrup urine disease (MSUD). Identifiers: Orphanet 511, MedGen C0024776, MeSH D008375, MONDO:0009563. Disease mechanism: loss of function.

Allele frequency attached by ClinVar (database versions not stated): TOPMed 0.00003.
gnomAD v4.1: 9 of 1,605,904 alleles (0.00056%); highest among the groups gnomAD compares: Admixed American, 0.0033%; no homozygotes.

Submissions (2):

Ambry Genetics
Classification: Uncertain significance for Inborn genetic diseases. Last evaluated: 2025-09-26. Review status: criteria provided, single submitter. Criteria: Ambry Variant Classification Scheme 2023. Collection method: clinical testing. Allele origin: germline.

Labcorp Genetics (formerly Invitae), Labcorp
Classification: Uncertain significance for Maple syrup urine disease. Last evaluated: 2021-08-31. Review status: criteria provided, single submitter. Criteria: Invitae Variant Classification Sherloc (09022015). Collection method: clinical testing. Allele origin: germline.
Comment: This sequence change replaces threonine with alanine at codon 279 of the BCKDHB protein (p.Thr279Ala). The threonine residue is highly conserved and there is a small physicochemical difference between threonine and alanine. This variant is not present in population databases (ExAC no frequency). This variant has not been reported in the literature in individuals affected with BCKDHB-related conditions. Algorithms developed to predict the effect of missense changes on protein structure and function (SIFT, PolyPhen-2, Align-GVGD) all suggest that this variant is likely to be tolerated. In summary, the available evidence is currently insufficient to determine the role of this variant in disease. Therefore, it has been classified as a Variant of Uncertain Significance.

NM_183050.4(BCKDHB):c.835A>G (p.Thr279Ala)

Gene: BCKDHB (branched chain keto acid dehydrogenase E1 subunit beta; plus strand). Cytogenetic location: 6q14.1.
Variant type: single nucleotide variant.
Coding change: c.835A>G on transcript NM_183050.4 (MANE Select); coding-DNA position 835, A replaced by G.
Protein change: p.Thr279Ala; replaces threonine 279 with alanine.
Molecular consequence: missense variant. On other transcripts: non-coding transcript variant (1).
Genome position (GRCh38, 1-based): chr6:80,201,026, A>G. VCF-style: chr6-80201026-A-G. GRCh37 (hg19) VCF-style: chr6-80910743-A-G.
Other names: c.835A>G (NM_183050.2); c.835A>G, p.Thr279Ala (NM_000056.5); c.625A>G, p.Thr209Ala (NM_001318975.1); short protein forms T279A, T209A.
Identifiers: ClinVar variation 1417482 (VCV001417482.6), dbSNP rs775427993, ClinGen allele CA142287568.